The following is an entry in ClinVar:

ClinVar aggregate classification (germline): Uncertain significance. Review status: criteria provided, multiple submitters, no conflicts (2 of 4 stars). 4 submissions from 4 submitters: Uncertain significance (4). Last evaluated 2025-11-22.

Conditions:
Hereditary cancer-predisposing syndrome. Also called: Neoplastic Syndromes, Hereditary; Hereditary neoplastic syndrome; Tumor predisposition; Hereditary Cancer Syndrome. Identifiers: Orphanet 140162, MedGen C0027672, MeSH D009386, MONDO:0015356.
Isolated focal cortical dysplasia type II (FCORD2). Also called: CORTICAL DYSPLASIA OF TAYLOR; Focal cortical dysplasia type II. Identifiers: Orphanet 268994, MedGen C1846385, MONDO:0011818, OMIM 607341, HP:0032051.
Tuberous sclerosis 1 (TSC1). Identifiers: Orphanet 805, MedGen C1854465, MONDO:0008612, OMIM 191100.
Lymphangiomyomatosis (LAM). Also called: Lymphangioleiomyomatosis; Lymphangioleiomyomatosis, somatic. Identifiers: Orphanet 538, MedGen C0751674, MONDO:0011705, OMIM 606690.

Allele frequency attached by ClinVar (database versions not stated): gnomAD exomes below 0.00001.
gnomAD v4.1: 1 of 1,266,812 alleles (0.000079%); no homozygotes.

Submissions (4):

Labcorp Genetics (formerly Invitae), Labcorp
Classification: Uncertain significance for Tuberous sclerosis 1. Last evaluated: 2025-11-22. Review status: criteria provided, single submitter. Criteria: Invitae Variant Classification Sherloc (09022015). Collection method: clinical testing. Allele origin: germline.
Comment: This sequence change replaces glutamic acid, which is acidic and polar, with lysine, which is basic and polar, at codon 876 of the TSC1 protein (p.Glu876Lys). This variant is not present in population databases (gnomAD no frequency). This variant has not been reported in the literature in individuals affected with TSC1-related conditions. ClinVar contains an entry for this variant (Variation ID: 534429). Invitae Evidence Modeling of protein sequence and biophysical properties (such as structural, functional, and spatial information, amino acid conservation, physicochemical variation, residue mobility, and thermodynamic stability) indicates that this missense variant is not expected to disrupt TSC1 protein function with a negative predictive value of 95%. In summary, the available evidence is currently insufficient to determine the role of this variant in disease. Therefore, it has been classified as a Variant of Uncertain Significance.

GeneDx
Classification: Uncertain significance. Last evaluated: 2025-06-04. Review status: criteria provided, single submitter. Criteria: GeneDx Variant Classification Process June 2021. Collection method: clinical testing. Allele origin: germline. Affected: yes.
Comment: Not observed at significant frequency in large population cohorts (gnomAD); In silico analysis supports that this missense variant has a deleterious effect on protein structure/function; Has not been previously published as pathogenic or benign to our knowledge; This variant is associated with the following publications: (PMID: 18466115)

Ambry Genetics
Classification: Uncertain significance for Hereditary cancer-predisposing syndrome. Last evaluated: 2024-10-24. Review status: criteria provided, single submitter. Criteria: Ambry Variant Classification Scheme 2023. Collection method: clinical testing. Allele origin: germline.
Comment: The p.E876K variant (also known as c.2626G>A), located in coding exon 19 of the TSC1 gene, results from a G to A substitution at nucleotide position 2626. This variant impacts the first base pair of coding exon 19. The glutamic acid at codon 876 is replaced by lysine, an amino acid with similar properties. This amino acid position is highly conserved in available vertebrate species. In addition, this alteration is predicted to be deleterious by in silico analysis. Since supporting evidence is limited at this time, the clinical significance of this alteration remains unclear.

Fulgent Genetics
Classification: Uncertain significance for Tuberous sclerosis 1; Lymphangiomyomatosis; Isolated focal cortical dysplasia type II. Last evaluated: 2024-02-15. Review status: criteria provided, single submitter. Criteria: ACMG Guidelines, 2015. Collection method: clinical testing. Allele origin: germline.

NM_000368.5(TSC1):c.2626G>A (p.Glu876Lys)

Gene: TSC1 (TSC complex subunit 1; minus strand). Cytogenetic location: 9q34.13.
Variant type: single nucleotide variant.
Coding change: c.2626G>A on transcript NM_000368.5 (MANE Select); coding-DNA position 2626, G replaced by A.
Protein change: p.Glu876Lys; replaces glutamic acid 876 with lysine.
Molecular consequence: missense variant.
Genome position (GRCh38, 1-based): chr9:132,897,610, C>T on the plus strand (G>A on the coding strand, the complement: TSC1 is on the minus strand). VCF-style: chr9-132897610-C-T. GRCh37 (hg19) VCF-style: chr9-135772997-C-T.
Other names: c.2623G>A, p.Glu875Lys (NM_001162426.2); c.2473G>A, p.Glu825Lys (NM_001162427.2); c.2263G>A, p.Glu755Lys (NM_001362177.2); short protein forms E876K, E755K, E875K, E825K.
Identifiers: ClinVar variation 534429 (VCV000534429.14), dbSNP rs747602915, ClinGen allele CA375369729.
Genomic context (GRCh38, chr9:132,897,610, plus strand): 5'-GAACATGGCTTCTGTTTTTTTCTAGCTCTTTCCGATAGGCGGCTTTCATCATTTCTACTT[C>T]CTGAAAAAAAAAAAAAAAAAAGACTGGAATTAGTACTTATAAAAAATAAACATGCTGTAT-3'
Protein context (NP_000359.1, residues 866-886): LQNKHSDTTK[Glu876Lys]VEMMKAAYRK